The following is an entry in ClinVar:

ClinVar aggregate classification (germline): Conflicting classifications of pathogenicity. Review status: criteria provided, conflicting classifications (1 of 4 stars). 2 submissions from 2 submitters: Uncertain significance (1); Likely benign (1). Last evaluated 2026-06-29.

Conditions:
Gorlin syndrome. Also called: Basal cell nevus syndrome; Nevoid Basal Cell Carcinoma Syndrome. Identifiers: Orphanet 377, MedGen C0004779, MONDO:0007187.
Hereditary cancer-predisposing syndrome. Also called: Tumor predisposition; Hereditary Cancer Syndrome; Hereditary neoplastic syndrome; Neoplastic Syndromes, Hereditary. Identifiers: Orphanet 140162, MedGen C0027672, MeSH D009386, MONDO:0015356.

Submissions (2):

Ambry Genetics
Classification: Likely benign for Hereditary cancer-predisposing syndrome. Last evaluated: 2026-06-29. Review status: criteria provided, single submitter. Criteria: Ambry Variant Classification Scheme 2023. Collection method: clinical testing. Allele origin: germline.

Labcorp Genetics (formerly Invitae), Labcorp
Classification: Uncertain significance for Gorlin syndrome. Last evaluated: 2026-02-01. Review status: criteria provided, single submitter. Criteria: Invitae Variant Classification Sherloc (09022015). Collection method: clinical testing. Allele origin: germline.
Comment: This sequence change replaces asparagine, which is neutral and polar, with histidine, which is basic and polar, at codon 1191 of the PTCH1 protein (p.Asn1191His). This variant is not present in population databases (gnomAD no frequency). This variant has not been reported in the literature in individuals affected with PTCH1-related conditions. ClinVar contains an entry for this variant (Variation ID: 3427297). Invitae Evidence Modeling of protein sequence and biophysical properties (such as structural, functional, and spatial information, amino acid conservation, physicochemical variation, residue mobility, and thermodynamic stability) indicates that this missense variant is not expected to disrupt PTCH1 protein function with a negative predictive value of 95%. In summary, the available evidence is currently insufficient to determine the role of this variant in disease. Therefore, it has been classified as a Variant of Uncertain Significance.

NM_000264.5(PTCH1):c.3571A>C (p.Asn1191His)

Gene: PTCH1 (patched 1; minus strand). Cytogenetic location: 9q22.32.
Variant type: single nucleotide variant.
Coding change: c.3571A>C on transcript NM_000264.5 (MANE Select); coding-DNA position 3571, A replaced by C.
Protein change: p.Asn1191His; replaces asparagine 1191 with histidine.
Molecular consequence: missense variant. On other transcripts: non-coding transcript variant (1).
Genome position (GRCh38, 1-based): chr9:95,449,302, T>G on the plus strand (A>C on the coding strand, the complement: PTCH1 is on the minus strand). VCF-style: chr9-95449302-T-G. GRCh37 (hg19) VCF-style: chr9-98211584-T-G.
Other names: c.3373A>C, p.Asn1125His (NM_001083602.3); c.3568A>C, p.Asn1190His (NM_001083603.3); c.3118A>C, p.Asn1040His (NM_001083604.3, NM_001083605.3, NM_001083606.3 and 1 more transcripts); c.3415A>C, p.Asn1139His (NM_001354918.2); short protein forms N1125H, N1040H, N1190H, N1139H, N1191H.
Identifiers: ClinVar variation 3427297 (VCV003427297.3).